The following is an entry in ClinVar:

NM_003924.4(PHOX2B):c.527C>T (p.Ser176Phe)

Gene: PHOX2B (paired like homeobox 2B; minus strand). Cytogenetic location: 4p13.
Variant type: single nucleotide variant.
Coding change: c.527C>T on transcript NM_003924.4 (MANE Select); coding-DNA position 527, C replaced by T.
Protein change: p.Ser176Phe; replaces serine 176 with phenylalanine.
Molecular consequence: missense variant.
Genome position (GRCh38, 1-based): chr4:41,746,225, G>A on the plus strand (C>T on the coding strand, the complement: PHOX2B is on the minus strand). VCF-style: chr4-41746225-G-A. GRCh37 (hg19) VCF-style: chr4-41748242-G-A.
Other names: short protein forms S176F.
Identifiers: ClinVar variation 1746547 (VCV001746547.2), dbSNP rs2552096886, ClinGen allele CA356738331.

ClinVar aggregate classification (germline): Uncertain significance (1 of 4 stars; one submission).

Conditions:
Hereditary cancer-predisposing syndrome. Also called: Hereditary Cancer Syndrome; Neoplastic Syndromes, Hereditary; Tumor predisposition; Hereditary neoplastic syndrome. Identifiers: Orphanet 140162, MedGen C0027672, MeSH D009386, MONDO:0015356.

Submission:

Ambry Genetics
Classification: Uncertain significance for Hereditary cancer-predisposing syndrome. Last evaluated: 2022-06-24. Review status: criteria provided, single submitter. Criteria: Ambry Variant Classification Scheme 2023. Collection method: clinical testing. Allele origin: germline.
Comment: The p.S176F variant (also known as c.527C>T), located in coding exon 3 of the PHOX2B gene, results from a C to T substitution at nucleotide position 527. The serine at codon 176 is replaced by phenylalanine, an amino acid with highly dissimilar properties. This amino acid position is well conserved in available vertebrate species. In addition, this alteration is predicted to be tolerated by in silico analysis. Since supporting evidence is limited at this time, the clinical significance of this alteration remains unclear.